The following is an entry in ClinVar:

ClinVar aggregate classification (germline): Pathogenic (0 of 4 stars; one submission).

Conditions:
Fanconi anemia complementation group C (FANCC). Also called: Fanconi anemia, group C; FANCC-Related Fanconi Anemia; FANCONI PANCYTOPENIA, TYPE 3; FACC. Identifiers: Orphanet 84, MedGen C3468041, MONDO:0009213, OMIM 227645.

Submission:

Leiden Open Variation Database
Classification: Pathogenic for Fanconi anemia complementation group C. Last evaluated: 2020-02-28. Review status: no assertion criteria provided. Collection method: curation. Allele origin: germline. Affected: yes.
Comment: Curator: Arleen D. Auerbach. Submitter to LOVD: Johan de Winter.

Literature cited by the submitters: PubMed 22778927.

NM_000136.3(FANCC):c.467del (p.Ser156fs)

Gene: FANCC (FA complementation group C; minus strand). Cytogenetic location: 9q22.32.
Variant type: Deletion.
Coding change: c.467del on transcript NM_000136.3 (MANE Select); coding-DNA position 467, one base deleted (C; older notation c.467delC).
Protein change: p.Ser156fs; shifts the reading frame from serine 156.
Molecular consequence: frameshift variant.
Genome position (GRCh38, 1-based): chr9:95,171,133, G deleted on the plus strand (C on the coding strand, the reverse complement: FANCC is on the minus strand). VCF-style (leftmost placement, unchanged base first): chr9-95171132-TG-T. GRCh37 (hg19) VCF-style: chr9-97933414-TG-T.
Other names: c.467del, p.Ser156fs (NM_001243743.2, NM_001243744.2); short protein forms S156fs.
Identifiers: ClinVar variation 929799 (VCV000929799.1), dbSNP rs1825652623, ClinGen allele CA1139661055.
Genomic context (GRCh38, chr9:95,171,132, plus strand): 5'-CACCTACCGCCTTTGAGTGTTAAATCCATTAAGATGATTCTCTCTGAGTTCAGACGCTAA[TG>T]ATAAAACCATCTGTAAAACAAAATCAGTTGCAGGTTAACTCACGCTGCAAACAGGATTAC-3'